The following is an entry in ClinVar:

NM_206538.4(EMC10):c.744GGGTGG[3] (p.Gly258_Gly259del)

Gene: EMC10 (ER membrane protein complex subunit 10; plus strand). Cytogenetic location: 19q13.33.
Variant type: Microsatellite.
Coding change: c.744GGGTGG[3] on transcript NM_206538.4 (MANE Select); three copies in a row of the 6-base unit GGGTGG starting at c.744; the reference has four copies in a row; one copy, 6 bases deleted.
Protein change: p.Gly258_Gly259del.
Molecular consequence: inframe deletion. On other transcripts: 3 prime UTR variant (1).
Genome position (GRCh38, 1-based): chr19:50,482,232-50,482,237, GGGTGG deleted; deleting any 6 consecutive bases within chr19:50,482,214-50,482,237 gives the same sequence; the position shown is the placement nearest the transcript's 3' end. VCF-style (leftmost placement, unchanged base first): chr19-50482213-AGGGTGG-A. GRCh37 (hg19) VCF-style: chr19-50985470-AGGGTGG-A.
Other names: c.*66GGGTGG[3] (NM_175063.6).
Identifiers: ClinVar variation 3026193 (VCV003026193.22), dbSNP rs745832642, ClinGen allele CA9599267.

ClinVar aggregate classification (germline): Likely benign (1 of 4 stars; one submission).

Submission:

CeGaT Center for Human Genetics Tuebingen
Classification: Likely benign. Last evaluated: 2024-01-01. Review status: criteria provided, single submitter. Criteria: CeGaT Center For Human Genetics Tuebingen Variant Classification Criteria Version 2. Collection method: clinical testing. Allele origin: germline. Affected: yes. Observed: 1 variant allele.
Comment: EMC10: BP3